The following is an entry in ClinVar:

ClinVar aggregate classification (germline): Uncertain significance (1 of 4 stars; one submission).

Conditions:
Diamond-Blackfan anemia. Also called: Blackfan Diamond syndrome; Aregenerative anemia chronic congenital; Red cell aplasia, pure hereditary; Congenital hypoplastic anemia; Aase syndrome. Identifiers: Orphanet 124, MedGen C1260899, MeSH D029503, MONDO:0015253, HP:0004810.

Allele frequency attached by ClinVar (database versions not stated): gnomAD exomes below 0.00001.

Submission:

Labcorp Genetics (formerly Invitae), Labcorp
Classification: Uncertain significance for Diamond-Blackfan anemia. Last evaluated: 2023-11-19. Review status: criteria provided, single submitter. Criteria: Invitae Variant Classification Sherloc (09022015). Collection method: clinical testing. Allele origin: germline.
Comment: This sequence change replaces methionine, which is neutral and non-polar, with valine, which is neutral and non-polar, at codon 46 of the RPS10 protein (p.Met46Val). This variant is not present in population databases (gnomAD no frequency). This variant has not been reported in the literature in individuals affected with RPS10-related conditions. An algorithm developed to predict the effect of missense changes on protein structure and function (PolyPhen-2) suggests that this variant is likely to be tolerated. In summary, the available evidence is currently insufficient to determine the role of this variant in disease. Therefore, it has been classified as a Variant of Uncertain Significance.

NM_001014.5(RPS10):c.136A>G (p.Met46Val)

Genes: RPS10 (ribosomal protein S10; minus strand), RPS10-NUDT3 (RPS10-NUDT3 readthrough; minus strand). Cytogenetic location: 6p21.31.
Variant type: single nucleotide variant.
Coding change: c.136A>G on transcript NM_001014.5 (MANE Select); coding-DNA position 136, A replaced by G.
Protein change: p.Met46Val; replaces methionine 46 with valine.
Molecular consequence: missense variant.
Genome position (GRCh38, 1-based): chr6:34,425,086, T>C on the plus strand (A>G on the coding strand, the complement: RPS10 is on the minus strand). VCF-style: chr6-34425086-T-C. GRCh37 (hg19) VCF-style: chr6-34392863-T-C.
Other names: c.136A>G, p.Met46Val (NM_001202470.3, NM_001203245.3, NM_001204091.2); short protein forms M46V.
Identifiers: ClinVar variation 2735244 (VCV002735244.3), dbSNP rs2533032468, ClinGen allele CA363885397.